The following is an entry in ClinVar:

NM_000535.7(PMS2):c.528T>C (p.Asn176=)

Gene: PMS2 (PMS1 homolog 2, mismatch repair system component; minus strand). Cytogenetic location: 7p22.1.
Variant type: single nucleotide variant.
Coding change: c.528T>C on transcript NM_000535.7 (MANE Select); coding-DNA position 528, T replaced by C.
Protein change: p.Asn176=; no amino-acid change (asparagine 176 retained).
Molecular consequence: synonymous variant. On other transcripts: non-coding transcript variant (1), 5 prime UTR variant (2).
Genome position (GRCh38, 1-based): chr7:6,002,462, A>G on the plus strand (T>C on the coding strand, the complement: PMS2 is on the minus strand). VCF-style: chr7-6002462-A-G. GRCh37 (hg19) VCF-style: chr7-6042093-A-G.
Other names: c.219T>C, p.Asn73= (NM_001322015.2); c.123T>C, p.Asn41= (NM_001322003.2, NM_001322004.2, NM_001322005.2 and 3 more transcripts); c.528T>C, p.Asn176= (NM_001322006.2, NM_001322014.2); c.210T>C, p.Asn70= (NM_001322007.2, NM_001322008.2); c.-357T>C (NM_001322011.2, NM_001322012.2).
Identifiers: ClinVar variation 389243 (VCV000389243.14), dbSNP rs1057523374, ClinGen allele CA16605251.

ClinVar aggregate classification (germline): Benign/Likely benign. Review status: criteria provided, multiple submitters, no conflicts (2 of 4 stars). 4 submissions from 4 submitters: Benign (1); Likely benign (3). Last evaluated 2025-11-10.

Conditions:
Hereditary nonpolyposis colorectal neoplasms. Identifiers: MedGen C0009405, MeSH D003123.
Hereditary cancer-predisposing syndrome. Also called: Hereditary Cancer Syndrome; Hereditary neoplastic syndrome; Neoplastic Syndromes, Hereditary; Tumor predisposition. Identifiers: Orphanet 140162, MedGen C0027672, MeSH D009386, MONDO:0015356.
Lynch syndrome 4 (LYNCH4). Also called: Hereditary non-polyposis colorectal cancer, type 4; Colorectal cancer, hereditary nonpolyposis, type 4. Identifiers: Orphanet 144, MedGen C1838333, MONDO:0013699, OMIM 614337. Disease mechanism: loss of function.

Allele frequency attached by ClinVar (database versions not stated): gnomAD exomes below 0.00001; TOPMed below 0.00001; gnomAD 0.00001.
gnomAD v4.1: 4 of 1,606,718 alleles (0.00025%); highest among the groups gnomAD compares: South Asian, 0.0011%; no homozygotes.

Submissions (4):

Labcorp Genetics (formerly Invitae), Labcorp
Classification: Likely benign for Hereditary nonpolyposis colorectal neoplasms. Last evaluated: 2025-11-10. Review status: criteria provided, single submitter. Criteria: Invitae Variant Classification Sherloc (09022015). Collection method: clinical testing. Allele origin: germline.

Myriad Genetics, Inc.
Classification: Benign for Lynch syndrome 4. Last evaluated: 2025-01-27. Review status: criteria provided, single submitter. Criteria: Myriad Autosomal Dominant, Autosomal Recessive and X-Linked Classification Criteria (2023). Collection method: clinical testing. Allele origin: unknown.
Comment: This variant is considered benign. This variant is a silent/synonymous amino acid change and it is not expected to impact splicing.

GeneDx
Classification: Likely benign. Last evaluated: 2021-06-02. Review status: criteria provided, single submitter. Criteria: GeneDx Variant Classification Process June 2021. Collection method: clinical testing. Allele origin: germline. Affected: yes.

Ambry Genetics
Classification: Likely benign for Hereditary cancer-predisposing syndrome. Last evaluated: 2020-11-25. Review status: criteria provided, single submitter. Criteria: Ambry Variant Classification Scheme 2023. Collection method: clinical testing. Allele origin: germline.